The following is an entry in ClinVar:

NM_012073.5(CCT5):c.1317+10_1317+11delinsAC

Gene: CCT5 (chaperonin containing TCP1 subunit 5; plus strand). Cytogenetic location: 5p15.2.
Variant type: Indel.
Coding change: c.1317+10_1317+11delinsAC on transcript NM_012073.5 (MANE Select); bases 10 to 11 of the intron after coding-DNA position 1317, CT replaced by AC.
Molecular consequence: intron variant.
Genome position (GRCh38, 1-based): chr5:10,262,628-10,262,629, CT replaced by AC. VCF-style: chr5-10262628-CT-AC. GRCh37 (hg19) VCF-style: chr5-10262740-CT-AC.
Other names: c.1254+10_1254+11delinsAC (NM_001306153.1); c.1152+10_1152+11delinsAC (NM_001306154.2); c.1203+10_1203+11delinsAC (NM_001306156.2); c.1038+10_1038+11delinsAC (NM_001306155.2).
Identifiers: ClinVar variation 3613453 (VCV003613453.2).

ClinVar aggregate classification (germline): Uncertain significance (1 of 4 stars; one submission).

Conditions:
Hereditary sensory and autonomic neuropathy with spastic paraplegia (HSNSP). Identifiers: Orphanet 139578, MedGen C1850395, MONDO:0009748, OMIM 256840.

Submission:

Labcorp Genetics (formerly Invitae), Labcorp
Classification: Uncertain significance for Hereditary sensory and autonomic neuropathy with spastic paraplegia. Last evaluated: 2024-08-14. Review status: criteria provided, single submitter. Criteria: Invitae Variant Classification Sherloc (09022015). Collection method: clinical testing. Allele origin: germline.
Comment: This sequence change falls in intron 9 of the CCT5 gene. It does not directly change the encoded amino acid sequence of the CCT5 protein. Information on the frequency of this variant in the gnomAD database is not available, as this variant may be reported differently in the database. This variant has not been reported in the literature in individuals affected with CCT5-related conditions. In summary, the available evidence is currently insufficient to determine the role of this variant in disease. Therefore, it has been classified as a Variant of Uncertain Significance.